The following is an entry in ClinVar:

NM_001103.4(ACTN2):c.982C>T (p.Arg328Trp)

Gene: ACTN2 (actinin alpha 2; plus strand). Cytogenetic location: 1q43.
Variant type: single nucleotide variant.
Coding change: c.982C>T on transcript NM_001103.4 (MANE Select); coding-DNA position 982, C replaced by T.
Protein change: p.Arg328Trp; replaces arginine 328 with tryptophan.
Molecular consequence: missense variant.
Genome position (GRCh38, 1-based): chr1:236,739,407, C>T. VCF-style: chr1-236739407-C-T. GRCh37 (hg19) VCF-style: chr1-236902707-C-T.
Other names: c.982C>T, p.Arg328Trp (NM_001278343.2); c.358C>T, p.Arg120Trp (NM_001278344.2); c.982C>T (NM_001103.3); short protein forms R328W, R120W.
Identifiers: ClinVar variation 626370 (VCV000626370.14), dbSNP rs770855273, ClinGen allele CA1473024.

ClinVar aggregate classification (germline): Conflicting classifications of pathogenicity. Review status: criteria provided, conflicting classifications (1 of 4 stars). 5 submissions from 5 submitters: Uncertain significance (4); Likely benign (1). Last evaluated 2025-12-27.

Conditions:
Primary familial hypertrophic cardiomyopathy (HCM). Identifiers: Orphanet 99739, MedGen C0949658, MeSH D024741, MONDO:0024573. Inheritance: Various modes of inheritance.
Dilated cardiomyopathy 1AA (CMD1AA). Also called: CARDIOMYOPATHY, DILATED, 1AA, WITH OR WITHOUT LEFT VENTRICULAR NONCOMPACTION; CARDIOMYOPATHY, FAMILIAL HYPERTROPHIC, 23, WITH OR WITHOUT LEFT VENTRICULAR NONCOMPACTION; Cardiomyopathy, dilated, 1AA, with or without LVNC. Identifiers: Orphanet 154, MedGen C2677338, MONDO:0012808, OMIM 612158.
Cardiomyopathy (CMYO). Also called: Cardiomyopathies. Identifiers: Orphanet 167848, MedGen C0878544, MONDO:0004994, HP:0001638. Inheritance: Various modes of inheritance.
Myopathy, congenital, with structured cores and z-line abnormalities. Also called: CONGENITAL MYOPATHY 8; MULTIPLE STRUCTURED CORE DISEASE. Identifiers: MedGen C5231445, MONDO:0032852, OMIM 618654.
Myopathy, distal, 6, adult-onset, autosomal dominant. Identifiers: MedGen C5203349, MONDO:0032853, OMIM 618655.
Cardiovascular phenotype. Identifiers: MedGen CN230736.

Allele frequency attached by ClinVar (database versions not stated): gnomAD 0.00001; TOPMed 0.00002; gnomAD exomes 0.00004; ExAC 0.00006.
gnomAD v4.1: 19 of 1,613,944 alleles (0.0012%); highest among the groups gnomAD compares: Admixed American, 0.01%; no homozygotes.

Submissions (5):

Labcorp Genetics (formerly Invitae), Labcorp
Classification: Likely benign for Primary familial hypertrophic cardiomyopathy; Dilated cardiomyopathy 1AA. Last evaluated: 2025-12-27. Review status: criteria provided, single submitter. Criteria: Invitae Variant Classification Sherloc (09022015). Collection method: clinical testing. Allele origin: germline.

Molecular Diagnostic Laboratory for Inherited Cardiovascular Disease, Montreal Heart Institute
Classification: Uncertain significance for Cardiovascular phenotype. Last evaluated: 2025-04-09. Review status: criteria provided, single submitter. Criteria: ACMG Guidelines, 2015. Collection method: clinical testing. Allele origin: germline. Affected: yes.

Ambry Genetics
Classification: Uncertain significance for Cardiovascular phenotype. Last evaluated: 2024-02-09. Review status: criteria provided, single submitter. Criteria: Ambry Variant Classification Scheme 2023. Collection method: clinical testing. Allele origin: germline.
Comment: The p.R328W variant (also known as c.982C>T), located in coding exon 10 of the ACTN2 gene, results from a C to T substitution at nucleotide position 982. The arginine at codon 328 is replaced by tryptophan, an amino acid with dissimilar properties. This amino acid position is conserved. In addition, the in silico prediction for this alteration is inconclusive. Since supporting evidence is limited at this time, the clinical significance of this alteration remains unclear.

Fulgent Genetics
Classification: Uncertain significance for Dilated cardiomyopathy 1AA; Myopathy, congenital, with structured cores and z-line abnormalities; Myopathy, distal, 6, adult-onset, autosomal dominant. Last evaluated: 2021-10-06. Review status: criteria provided, single submitter. Criteria: ACMG Guidelines, 2015. Collection method: clinical testing. Allele origin: unknown.

CHEO Genetics Diagnostic Laboratory, Children's Hospital of Eastern Ontario
Classification: Uncertain significance for Cardiomyopathy. Last evaluated: 2016-02-08. Review status: criteria provided, single submitter. Criteria: ACMG Guidelines, 2015. Collection method: clinical testing. Allele origin: germline. Study: Canadian Open Genetics Repository.